The following is an entry in ClinVar:

NM_004408.4(DNM1):c.1372C>T (p.Arg458Cys)

Gene: DNM1 (dynamin 1; plus strand). Cytogenetic location: 9q34.11.
Variant type: single nucleotide variant.
Coding change: c.1372C>T on transcript NM_004408.4 (MANE Select); coding-DNA position 1372, C replaced by T.
Protein change: p.Arg458Cys; replaces arginine 458 with cysteine.
Molecular consequence: missense variant.
Genome position (GRCh38, 1-based): chr9:128,234,057, C>T. VCF-style: chr9-128234057-C-T. GRCh37 (hg19) VCF-style: chr9-130996336-C-T.
Other names: c.1372C>T, p.Arg458Cys (NM_001005336.3, NM_001288737.2, NM_001288738.2 and 2 more transcripts); short protein forms R458C.
Identifiers: ClinVar variation 2869477 (VCV002869477.5), dbSNP rs2539042274, ClinGen allele CA375022730.
Genomic context (GRCh38, chr9:128,234,057, plus strand): 5'-TTCTGCCCTCCTGCCCTTCCCCAGCTCCAGCAGTACCCGCGGCTACGGGAGGAGATGGAG[C>T]GCATCGTGACCACCCACATCCGGGAGCGCGAGGGCCGCACTAAGGAGCAGGTGAGCCCCG-3'
Protein context (NP_004399.2, residues 448-468): QYPRLREEME[Arg458Cys]IVTTHIRERE

ClinVar aggregate classification (germline): Uncertain significance. Review status: criteria provided, multiple submitters, no conflicts (2 of 4 stars). 2 submissions from 2 submitters: Uncertain significance (2). Last evaluated 2024-02-27.

Conditions:
Developmental and epileptic encephalopathy, 31A. Also called: Epileptic encephalopathy, early infantile, 31; Developmental and epileptic encephalopathy, 31. Identifiers: Orphanet 2382, MedGen C4225357, MONDO:0014598, OMIM 616346.

Submissions (2):

Institute of Human Genetics, University of Leipzig Medical Center
Classification: Uncertain significance for Developmental and epileptic encephalopathy, 31A. Last evaluated: 2024-02-27. Review status: criteria provided, single submitter. Criteria: ACMG Guidelines, 2015. Collection method: clinical testing. Allele origin: unknown. Inheritance: Autosomal dominant inheritance. Affected: yes.
Comment: Criteria applied: PM2_SUP,PP2,PP3

Labcorp Genetics (formerly Invitae), Labcorp
Classification: Uncertain significance for Developmental and epileptic encephalopathy, 31A. Last evaluated: 2024-01-22. Review status: criteria provided, single submitter. Criteria: Invitae Variant Classification Sherloc (09022015). Collection method: clinical testing. Allele origin: germline.
Comment: This sequence change replaces arginine, which is basic and polar, with cysteine, which is neutral and slightly polar, at codon 458 of the DNM1 protein (p.Arg458Cys). This variant is not present in population databases (gnomAD no frequency). This variant has not been reported in the literature in individuals affected with DNM1-related conditions. Advanced modeling of protein sequence and biophysical properties (such as structural, functional, and spatial information, amino acid conservation, physicochemical variation, residue mobility, and thermodynamic stability) performed at Invitae indicates that this missense variant is expected to disrupt DNM1 protein function with a positive predictive value of 95%. In summary, the available evidence is currently insufficient to determine the role of this variant in disease. Therefore, it has been classified as a Variant of Uncertain Significance.